The following is an entry in ClinVar:

ClinVar aggregate classification (germline): Pathogenic (1 of 4 stars; one submission).

Conditions:
Fanconi anemia (FA). Also called: Fanconi's anemia. Identifiers: Orphanet 84, MedGen C0015625, MeSH D005199, MONDO:0019391.

Submission:

Labcorp Genetics (formerly Invitae), Labcorp
Classification: Pathogenic for Fanconi anemia. Last evaluated: 2023-08-07. Review status: criteria provided, single submitter. Criteria: Invitae Variant Classification Sherloc (09022015). Collection method: clinical testing. Allele origin: unknown.
Comment: For these reasons, this variant has been classified as Pathogenic. This variant disrupts a region of the FANCA protein in which other variant(s) (p.Asp1427Thrfs*6) have been determined to be pathogenic (PMID: 11091222, 29098742). This suggests that this is a clinically significant region of the protein, and that variants that disrupt it are likely to be disease-causing. A similar copy number variant has been observed in individual(s) with Fanconi anemia (PMID: 29098742). This variant is a gross deletion of the genomic region encompassing exon(s) 16-43 of the FANCA gene, which includes the termination codon. This deletion extends beyond the assayed region for this gene and therefore may encompass additional genes. While this deletion is not anticipated to lead to nonsense mediated decay, it is expected to alter mRNA translation or result in a truncated protein product.

Literature cited by the submitters: PubMed 11091222; PubMed 29098742.

NC_000016.9:g.(?_89805009)_(89849520_?)del

Genes: FANCA (FA complementation group A; minus strand), ZNF276 (zinc finger protein 276; plus strand). Cytogenetic location: 16q24.3.
Variant type: Deletion.
Identifiers: ClinVar variation 3243254 (VCV003243254.1).